The following is an entry in ClinVar:

ClinVar aggregate classification (germline): Pathogenic (1 of 4 stars; one submission).

Conditions:
Hereditary cancer-predisposing syndrome. Also called: Neoplastic Syndromes, Hereditary; Tumor predisposition; Hereditary Cancer Syndrome; Hereditary neoplastic syndrome. Identifiers: Orphanet 140162, MedGen C0027672, MeSH D009386, MONDO:0015356.

Submission:

Ambry Genetics
Classification: Pathogenic for Hereditary cancer-predisposing syndrome. Last evaluated: 2017-03-15. Review status: criteria provided, single submitter. Criteria: Ambry Variant Classification Scheme 2023. Collection method: clinical testing. Allele origin: germline.
Comment: The p.E1118* pathogenic mutation (also known as c.3352G>T), located in coding exon 5 of the MSH6 gene, results from a G to T substitution at nucleotide position 3352. This changes the amino acid from a glutamic acid to a stop codon within coding exon 5. This alteration is expected to result in loss of function by premature protein truncation or nonsense-mediated mRNA decay. As such, this alteration is interpreted as a disease-causing mutation.

NM_000179.3(MSH6):c.3352G>T (p.Glu1118Ter)

Gene: MSH6 (mutS homolog 6; plus strand). Cytogenetic location: 2p16.3.
Variant type: single nucleotide variant.
Coding change: c.3352G>T on transcript NM_000179.3 (MANE Select); coding-DNA position 3352, G replaced by T.
Protein change: p.Glu1118Ter; replaces glutamic acid 1118 with a stop codon.
Molecular consequence: nonsense.
Genome position (GRCh38, 1-based): chr2:47,803,599, G>T. VCF-style: chr2-47803599-G-T. GRCh37 (hg19) VCF-style: chr2-48030738-G-T.
Other names: c.2962G>T, p.Glu988Ter (NM_001281492.2); c.2446G>T, p.Glu816Ter (NM_001281493.2, NM_001281494.2, NM_001406811.1 and 6 more transcripts); c.3448G>T, p.Glu1150Ter (NM_001406795.1, NM_001406802.1); c.3352G>T, p.Glu1118Ter (NM_001406796.1, NM_001406800.1, NM_001406808.1 and 1 more transcripts); c.3055G>T, p.Glu1019Ter (NM_001406797.1, NM_001406801.1, NM_001406805.1 and 10 more transcripts); c.3178G>T, p.Glu1060Ter (NM_001406798.1); c.2827G>T, p.Glu943Ter (NM_001406799.1, NM_001406806.1, NM_001406807.1); c.2488G>T, p.Glu830Ter (NM_001406803.1); and 7 more; short protein forms E1060*, E1118*, E830*, E988*, E1062*, E1150*, E67*, E1019*.
Identifiers: ClinVar variation 1730530 (VCV001730530.2), dbSNP rs760530339, ClinGen allele CA346758758.